The following is an entry in ClinVar:

NM_001184.4(ATR):c.2150C>T (p.Thr717Ile)

Gene: ATR (ATR checkpoint kinase; minus strand). Cytogenetic location: 3q23.
Variant type: single nucleotide variant.
Coding change: c.2150C>T on transcript NM_001184.4 (MANE Select); coding-DNA position 2150, C replaced by T.
Protein change: p.Thr717Ile; replaces threonine 717 with isoleucine.
Molecular consequence: missense variant.
Genome position (GRCh38, 1-based): chr3:142,556,068, G>A on the plus strand (C>T on the coding strand, the complement: ATR is on the minus strand). VCF-style: chr3-142556068-G-A. GRCh37 (hg19) VCF-style: chr3-142274910-G-A.
Other names: c.1958C>T, p.Thr653Ile (NM_001354579.2); short protein forms T653I, T717I.
Identifiers: ClinVar variation 2567802 (VCV002567802.2), dbSNP rs2108471440, ClinGen allele CA354818883.

ClinVar aggregate classification (germline): Uncertain significance (1 of 4 stars; one submission).

Conditions:
Inborn genetic diseases. Identifiers: MedGen C0950123, MeSH D030342.

Submission:

Ambry Genetics
Classification: Uncertain significance for Inborn genetic diseases. Last evaluated: 2023-04-07. Review status: criteria provided, single submitter. Criteria: Ambry Variant Classification Scheme 2023. Collection method: clinical testing. Allele origin: germline.
Comment: The p.T717I variant (also known as c.2150C>T), located in coding exon 10 of the ATR gene, results from a C to T substitution at nucleotide position 2150. The threonine at codon 717 is replaced by isoleucine, an amino acid with similar properties. This amino acid position is conserved. In addition, this alteration is predicted to be tolerated by in silico analysis. Since supporting evidence is limited at this time, the clinical significance of this alteration remains unclear.